The following is an entry in ClinVar:

NM_178526.5(SLC25A42):c.595C>G (p.Pro199Ala)

Gene: SLC25A42 (solute carrier family 25 member 42; plus strand). Cytogenetic location: 19p13.11.
Variant type: single nucleotide variant.
Coding change: c.595C>G on transcript NM_178526.5 (MANE Select); coding-DNA position 595, C replaced by G.
Protein change: p.Pro199Ala; replaces proline 199 with alanine.
Molecular consequence: missense variant.
Genome position (GRCh38, 1-based): chr19:19,107,991, C>G. VCF-style: chr19-19107991-C-G. GRCh37 (hg19) VCF-style: chr19-19218800-C-G.
Other names: c.595C>G, p.Pro199Ala (NM_001321544.2); c.595C>G (NM_178526.3); short protein forms P199A.
Identifiers: ClinVar variation 2180563 (VCV002180563.3), dbSNP rs140711318, ClinGen allele CA9321540.

ClinVar aggregate classification (germline): Uncertain significance. Review status: criteria provided, multiple submitters, no conflicts (2 of 4 stars). 3 submissions from 3 submitters: Uncertain significance (3). Last evaluated 2024-08-22.

Conditions:
Inborn genetic diseases. Identifiers: MedGen C0950123, MeSH D030342.

Allele frequency attached by ClinVar (database versions not stated): ExAC 0.00001; gnomAD exomes 0.00003; TOPMed 0.00003; gnomAD 0.00004; ESP Exome Variant Server 0.00008.
gnomAD v4.1: 44 of 1,611,832 alleles (0.0027%); highest among the groups gnomAD compares: Admixed American, 0.005%; no homozygotes.

Submissions (3):

Blueprint Genetics
Classification: Uncertain significance. Last evaluated: 2024-08-22. Review status: criteria provided, single submitter. Criteria: ACMG Guidelines, 2015. Collection method: clinical testing. Allele origin: germline.

Labcorp Genetics (formerly Invitae), Labcorp
Classification: Uncertain significance. Last evaluated: 2022-05-15. Review status: criteria provided, single submitter. Criteria: Invitae Variant Classification Sherloc (09022015). Collection method: clinical testing. Allele origin: germline.
Comment: This sequence change replaces proline, which is neutral and non-polar, with alanine, which is neutral and non-polar, at codon 199 of the SLC25A42 protein (p.Pro199Ala). This variant is present in population databases (rs140711318, gnomAD 0.006%). This variant has not been reported in the literature in individuals affected with SLC25A42-related conditions. Algorithms developed to predict the effect of missense changes on protein structure and function (SIFT, PolyPhen-2, Align-GVGD) all suggest that this variant is likely to be disruptive. In summary, the available evidence is currently insufficient to determine the role of this variant in disease. Therefore, it has been classified as a Variant of Uncertain Significance.

Ambry Genetics
Classification: Uncertain significance for Inborn genetic diseases. Last evaluated: 2022-02-10. Review status: criteria provided, single submitter. Criteria: Ambry Variant Classification Scheme 2023. Collection method: clinical testing. Allele origin: germline.